The following is an entry in ClinVar:

NM_170606.3(KMT2C):c.5215C>G (p.Pro1739Ala)

Gene: KMT2C (lysine methyltransferase 2C; minus strand). Cytogenetic location: 7q36.1.
Variant type: single nucleotide variant.
Coding change: c.5215C>G on transcript NM_170606.3 (MANE Select); coding-DNA position 5215, C replaced by G.
Protein change: p.Pro1739Ala; replaces proline 1739 with alanine.
Molecular consequence: missense variant.
Genome position (GRCh38, 1-based): chr7:152,183,024, G>C on the plus strand (C>G on the coding strand, the complement: KMT2C is on the minus strand). VCF-style: chr7-152183024-G-C. GRCh37 (hg19) VCF-style: chr7-151880109-G-C.
Other names: short protein forms P1739A.
Identifiers: ClinVar variation 3768147 (VCV003768147.1).

ClinVar aggregate classification (germline): Uncertain significance (1 of 4 stars; one submission).

gnomAD v4.1: 2 of 1,608,654 alleles (0.00012%); highest among the groups gnomAD compares: East Asian, 0.0045%; no homozygotes.

Submission:

Women's Health and Genetics/Laboratory Corporation of America, LabCorp
Classification: Uncertain significance. Last evaluated: 2024-12-27. Review status: criteria provided, single submitter. Criteria: LabCorp Variant Classification Summary - May 2015. Collection method: clinical testing. Allele origin: germline.
Comment: Variant summary: KMT2C c.5215C>G (p.Pro1739Ala) results in a non-conservative amino acid change in the encoded protein sequence. Five of five in-silico tools predict a damaging effect of the variant on protein function. The variant allele was found at a frequency of 4.1e-06 in 246328 control chromosomes. The available data on variant occurrences in the general population are insufficient to allow any conclusion about variant significance. To our knowledge, no occurrence of c.5215C>G in individuals affected with Kleefstra Syndrome 2 and no experimental evidence demonstrating its impact on protein function have been reported. No submitters have cited clinical-significance assessments for this variant to ClinVar. Based on the evidence outlined above, the variant was classified as uncertain significance.